The following is an entry in ClinVar:

NM_000535.7(PMS2):c.2250_2253delinsTTTC (p.Gly750_Phe751=)

Gene: PMS2 (PMS1 homolog 2, mismatch repair system component; minus strand). Cytogenetic location: 7p22.1.
Variant type: Indel.
Coding change: c.2250_2253delinsTTTC on transcript NM_000535.7 (MANE Select); coding-DNA positions 2250 to 2253, CTTT replaced by TTTC.
Protein change: p.Gly750_Phe751=.
Molecular consequence: synonymous variant. On other transcripts: non-coding transcript variant (1), intron variant (2).
Genome position (GRCh38, 1-based): chr7:5,978,618-5,978,621, AAAG replaced by GAAA on the plus strand (CTTT replaced by TTTC on the coding strand, the reverse complement: PMS2 is on the minus strand). VCF-style: chr7-5978618-AAAG-GAAA. GRCh37 (hg19) VCF-style: chr7-6018249-AAAG-GAAA.
Other names: c.1845_1848delinsTTTC, p.Gly615_Phe616= (NM_001322003.2, NM_001322004.2, NM_001322005.2 and 14 more transcripts); c.2094_2097delinsTTTC, p.Gly698_Phe699= (NM_001322006.2, NM_001406870.1); c.1932_1935delinsTTTC, p.Gly644_Phe645= (NM_001322007.2, NM_001322008.2, NM_001406876.1 and 1 more transcripts); c.1689_1692delinsTTTC, p.Gly563_Phe564= (NM_001322010.2, NM_001406906.1, NM_001406907.1); c.1317_1320delinsTTTC, p.Gly439_Phe440= (NM_001322011.2, NM_001322012.2); c.1677_1680delinsTTTC, p.Gly559_Phe560= (NM_001322013.2, NM_001406908.1, NM_001406909.1); c.2250_2253delinsTTTC, p.Gly750_Phe751= (NM_001322014.2); c.1941_1944delinsTTTC, p.Gly647_Phe648= (NM_001322015.2, NM_001406875.1, NM_001406877.1 and 5 more transcripts); and 16 more.
Identifiers: ClinVar variation 3904631 (VCV003904631.2).
Genomic context (GRCh38, chr7:5,978,618, plus strand): 5'-ACCACACCCAGCCGCTATAGTTCTAATTAATAACTTACCATTTTCATCGATAACAAAATC[AAAG>GAAA]CCATTCTTTCTAAATATTTCCAGATTTTCTATCAGAACAGCTTCATTAACAGCAGTTAAG-3'

ClinVar aggregate classification (germline): Conflicting classifications of pathogenicity. Review status: criteria provided, conflicting classifications (1 of 4 stars). 2 submissions from 2 submitters: Uncertain significance (1); Benign (1). Last evaluated 2025-04-01.

Conditions:
Hereditary nonpolyposis colorectal neoplasms. Identifiers: MedGen C0009405, MeSH D003123.
Lynch syndrome 4 (LYNCH4). Also called: Hereditary non-polyposis colorectal cancer, type 4; Colorectal cancer, hereditary nonpolyposis, type 4. Identifiers: Orphanet 144, MedGen C1838333, MONDO:0013699, OMIM 614337. Disease mechanism: loss of function.

Submissions (2):

Labcorp Genetics (formerly Invitae), Labcorp
Classification: Uncertain significance for Hereditary nonpolyposis colorectal neoplasms. Last evaluated: 2025-04-01. Review status: criteria provided, single submitter. Criteria: Invitae Variant Classification Sherloc (09022015). Collection method: clinical testing. Allele origin: germline.
Comment: This sequence change affects codons 750-751 of the PMS2 mRNA. It is a 'silent' change, meaning that it does not change the encoded amino acid sequence of the PMS2 protein. The frequency data for this variant in the population databases (gnomAD) is considered unreliable due to the presence of homologous sequence, such as pseudogenes or paralogs, in the genome. This variant has not been reported in the literature in individuals affected with PMS2-related conditions. Experimental studies and prediction algorithms are not available or were not evaluated, and the effect of this variant on mRNA splicing is currently unknown. In summary, the available evidence is currently insufficient to determine the role of this variant in disease. Therefore, it has been classified as a Variant of Uncertain Significance.

Myriad Genetics, Inc.
Classification: Benign for Lynch syndrome 4. Last evaluated: 2025-02-03. Review status: criteria provided, single submitter. Criteria: Myriad Autosomal Dominant, Autosomal Recessive and X-Linked Classification Criteria (2023). Collection method: clinical testing. Allele origin: unknown.
Comment: This variant is considered benign. This variant is a silent/synonymous amino acid change and it is not expected to impact splicing.